The following is an entry in ClinVar:

NM_020461.4(TUBGCP6):c.2484+6C>T

Gene: TUBGCP6 (tubulin gamma complex component 6; minus strand). Cytogenetic location: 22q13.33.
Variant type: single nucleotide variant.
Coding change: c.2484+6C>T on transcript NM_020461.4 (MANE Select); 6 bases into the intron after coding-DNA position 2484, C replaced by T.
Molecular consequence: intron variant.
Genome position (GRCh38, 1-based): chr22:50,222,022, G>A on the plus strand (C>T on the coding strand, the complement: TUBGCP6 is on the minus strand). VCF-style: chr22-50222022-G-A. GRCh37 (hg19) VCF-style: chr22-50660451-G-A.
Identifiers: ClinVar variation 1525768 (VCV001525768.5), dbSNP rs759222053, ClinGen allele CA10308205.
Genomic context (GRCh38, chr22:50,222,022, plus strand): 5'-CCAACACCAGGTGCCGAGGGCTATGGGAAAACCATAGGGCACCCTGGGTTCCACTCTGCC[G>A]CTTACCTGGGGGTGCACGCTCAAGAGGACGTCTGGCGGCTCCTGGGGCTGGTGAGCCTCA-3'

ClinVar aggregate classification (germline): Conflicting classifications of pathogenicity. Review status: criteria provided, conflicting classifications (1 of 4 stars). 2 submissions from 2 submitters: Uncertain significance (1); Likely benign (1). Last evaluated 2023-12-11.

Allele frequency attached by ClinVar (database versions not stated): ExAC 0.00001; gnomAD exomes 0.00001 and 0.00003; TOPMed 0.00001; gnomAD 0.00002 and 0.00003.
gnomAD v4.1: 42 of 1,613,652 alleles (0.0026%); highest among the groups gnomAD compares: East Asian, 0.058%; no homozygotes.

Submissions (2):

Labcorp Genetics (formerly Invitae), Labcorp
Classification: Uncertain significance. Last evaluated: 2023-12-11. Review status: criteria provided, single submitter. Criteria: Invitae Variant Classification Sherloc (09022015). Collection method: clinical testing. Allele origin: germline.
Comment: This sequence change falls in intron 15 of the TUBGCP6 gene. It does not directly change the encoded amino acid sequence of the TUBGCP6 protein. It affects a nucleotide within the consensus splice site. This variant is present in population databases (rs759222053, gnomAD 0.005%). This variant has not been reported in the literature in individuals affected with TUBGCP6-related conditions. ClinVar contains an entry for this variant (Variation ID: 1525768). Variants that disrupt the consensus splice site are a relatively common cause of aberrant splicing (PMID: 17576681, 9536098). Algorithms developed to predict the effect of sequence changes on RNA splicing suggest that this variant is not likely to affect RNA splicing. In summary, the available evidence is currently insufficient to determine the role of this variant in disease. Therefore, it has been classified as a Variant of Uncertain Significance.

Blueprint Genetics
Classification: Likely benign. Last evaluated: 2022-01-31. Review status: criteria provided, single submitter. Criteria: ACMG Guidelines, 2015. Collection method: clinical testing. Allele origin: germline.

Literature cited by the submitters: PubMed 17576681 (cited by Labcorp Genetics (formerly Invitae), Labcorp); PubMed 9536098 (cited by Labcorp Genetics (formerly Invitae), Labcorp).